The following is an entry in ClinVar:

NM_020975.6(RET):c.2309G>C (p.Arg770Pro)

Gene: RET (ret proto-oncogene; plus strand). Cytogenetic location: 10q11.21.
Variant type: single nucleotide variant.
Coding change: c.2309G>C on transcript NM_020975.6 (MANE Select); coding-DNA position 2309, G replaced by C.
Protein change: p.Arg770Pro; replaces arginine 770 with proline.
Molecular consequence: missense variant.
Genome position (GRCh38, 1-based): chr10:43,118,397, G>C. VCF-style: chr10-43118397-G-C. GRCh37 (hg19) VCF-style: chr10-43613845-G-C.
Other names: c.2021G>C, p.Arg674Pro (NM_001406767.1, NM_001406770.1, NM_001406766.1); c.2045G>C, p.Arg682Pro (NM_001406768.1); c.1913G>C, p.Arg638Pro (NM_001406769.1, NM_001406772.1); c.1871G>C, p.Arg624Pro (NM_001406771.1, NM_001406773.1); c.1784G>C, p.Arg595Pro (NM_001406774.1); c.1583G>C, p.Arg528Pro (NM_001406775.1, NM_001406776.1, NM_001406777.1 and 1 more transcripts); c.1283G>C, p.Arg428Pro (NM_001406786.1, NM_001406783.1); c.1277G>C, p.Arg426Pro (NM_001406787.1); and 10 more; short protein forms R770P, R516P, R428P, R595P, R682P, R287P, R528P, R638P.
Identifiers: ClinVar variation 852665 (VCV000852665.14), dbSNP rs377767414, ClinGen allele CA376555614.

ClinVar aggregate classification (germline): Uncertain significance. Review status: criteria provided, multiple submitters, no conflicts (2 of 4 stars). 3 submissions from 3 submitters: Uncertain significance (3). Last evaluated 2025-09-16.

Conditions:
Hirschsprung disease, susceptibility to, 1 (HSCR1). Also called: RET-Related Hirschsprung Disease. Identifiers: Orphanet 388, MedGen C3888239, MONDO:0007723, OMIM 142623.
Pheochromocytoma. Also called: MAX-Related Hereditary Paraganglioma-Pheochromocytoma Syndrome. Identifiers: Orphanet 29072, MedGen C0031511, MONDO:0008233, OMIM 171300, HP:0002666.
Multiple endocrine neoplasia type 2A. Also called: MULTIPLE ENDOCRINE NEOPLASIA, TYPE IIA; PTC SYNDROME; SIPPLE SYNDROME; MEN 2A; MEN-2A syndrome; Pheochromocytoma and amyloid producing medullary thyroid carcinoma. Identifiers: Orphanet 247698, Orphanet 653, MedGen C0025268, MeSH D018813, MONDO:0008234, OMIM 171400.
Familial medullary thyroid carcinoma (MTC). Also called: Thyroid cancer, familial medullary; MTC, familial; Familial Medullary Thyroid Carcinoma (FMTC). Identifiers: Orphanet 653, Orphanet 99361, MedGen C1833921, MONDO:0007958, OMIM 155240.
Multiple endocrine neoplasia type 2B. Also called: MEN 2B; Multiple endocrine neoplasia, type 3; MUCOSAL NEUROMA SYNDROME; MEN IIB; NEUROMATA, MUCOSAL, WITH ENDOCRINE TUMORS; WAGENMANN-FROBOESE SYNDROME. Identifiers: Orphanet 247709, Orphanet 653, MedGen C0025269, MeSH D018814, MONDO:0008082, OMIM 162300.
Hereditary cancer-predisposing syndrome. Also called: Neoplastic Syndromes, Hereditary; Tumor predisposition; Hereditary Cancer Syndrome; Hereditary neoplastic syndrome. Identifiers: Orphanet 140162, MedGen C0027672, MeSH D009386, MONDO:0015356.
Multiple endocrine neoplasia, type 2 (MEN2). Identifiers: Orphanet 653, MedGen C4048306, MONDO:0019003. Disease mechanism: gain of function.

Submissions (3):

Labcorp Genetics (formerly Invitae), Labcorp
Classification: Uncertain significance for Multiple endocrine neoplasia, type 2. Last evaluated: 2025-09-16. Review status: criteria provided, single submitter. Criteria: Invitae Variant Classification Sherloc (09022015). Collection method: clinical testing. Allele origin: germline.
Comment: This sequence change replaces arginine, which is basic and polar, with proline, which is neutral and non-polar, at codon 770 of the RET protein (p.Arg770Pro). This variant is not present in population databases (gnomAD no frequency). This variant has not been reported in the literature in individuals affected with RET-related conditions. ClinVar contains an entry for this variant (Variation ID: 852665). An algorithm developed to predict the effect of missense changes on protein structure and function (PolyPhen-2) suggests that this variant is likely to be disruptive. In summary, the available evidence is currently insufficient to determine the role of this variant in disease. Therefore, it has been classified as a Variant of Uncertain Significance.

Ambry Genetics
Classification: Uncertain significance for Hereditary cancer-predisposing syndrome. Last evaluated: 2025-02-08. Review status: criteria provided, single submitter. Criteria: Ambry Variant Classification Scheme 2023. Collection method: clinical testing. Allele origin: germline.
Comment: The p.R770P variant (also known as c.2309G>C), located in coding exon 13 of the RET gene, results from a G to C substitution at nucleotide position 2309. The arginine at codon 770 is replaced by proline, an amino acid with dissimilar properties. This amino acid position is conserved. In addition, this alteration is predicted to be deleterious by in silico analysis. Since supporting evidence is limited at this time, the clinical significance of this alteration remains unclear.

Fulgent Genetics
Classification: Uncertain significance for Hirschsprung disease, susceptibility to, 1; Familial medullary thyroid carcinoma; Multiple endocrine neoplasia type 2B; Pheochromocytoma; Multiple endocrine neoplasia type 2A. Last evaluated: 2024-06-18. Review status: criteria provided, single submitter. Criteria: ACMG Guidelines, 2015. Collection method: clinical testing. Allele origin: germline.